The following is an entry in ClinVar:

NM_001379610.1(SPINK1):c.1A>T (p.Met1Leu)

Gene: SPINK1 (serine peptidase inhibitor Kazal type 1; minus strand). Cytogenetic location: 5q32.
Variant type: single nucleotide variant.
Coding change: c.1A>T on transcript NM_001379610.1 (MANE Select); coding-DNA position 1, A replaced by T.
Protein change: p.Met1Leu; changes the start codon (methionine 1).
Molecular consequence: missense variant, initiator codon variant.
Genome position (GRCh38, 1-based): chr5:147,831,577, T>A on the plus strand (A>T on the coding strand, the complement: SPINK1 is on the minus strand). VCF-style: chr5-147831577-T-A. GRCh37 (hg19) VCF-style: chr5-147211140-T-A.
Other names: c.1A>T, p.Met1Leu (NM_001354966.2, NM_003122.5); short protein forms M1L.
Identifiers: ClinVar variation 496201 (VCV000496201.18), dbSNP rs369163833, ClinGen allele CA361885591.

ClinVar aggregate classification (germline): Conflicting classifications of pathogenicity. Review status: criteria provided, conflicting classifications (1 of 4 stars). 5 submissions from 5 submitters: Pathogenic (1); Likely pathogenic (3); Uncertain significance (1). Last evaluated 2024-08-19.

Conditions:
Hereditary pancreatitis (PCTT). Also called: PRSS1-Related Hereditary Pancreatitis; Hereditary chronic pancreatitis. Identifiers: Orphanet 676, MedGen C0238339, MONDO:0008185, OMIM 167800.

Allele frequency attached by ClinVar (database versions not stated): TOPMed below 0.00001; gnomAD 0.00001.

Submissions (5):

Ambry Genetics
Classification: Likely pathogenic for Hereditary pancreatitis. Last evaluated: 2024-08-19. Review status: criteria provided, single submitter. Criteria: Ambry Variant Classification Scheme 2023. Collection method: clinical testing. Allele origin: germline.
Comment: The p.M1? variant (also known as c.1A>T) is located in coding exon 1 of the SPINK1 gene and results from an A to T substitution at nucleotide position 1. This alters the methionine residue at the initiation codon (ATG). This variant was reported in a patient with idiopathic chronic pancreatitis and was seen in conjunction with SPINK1 p.N34S (phase unknown) and CTRC c.494-10C>T (Masson E et al. Hum Genet 2008 Feb;123(1):83-91). A different variant that also abolishes the initiation codon was identified in a patient with hereditary chronic pancreatitis (Witt H et a. Nat Genet 2000 Jun;25(2):213-6). This variant is considered to be rare based on population cohorts in the Genome Aggregation Database (gnomAD). This amino acid position is highly conserved in available vertebrate species. In addition to the clinical data presented in the literature, sequence variations that modify the initiation codon are expected to result in either loss of translation initiation, N-terminal truncation, or cause a shift in the mRNA reading frame. Based on the majority of available evidence to date, this variant is likely to be pathogenic.

Labcorp Genetics (formerly Invitae), Labcorp
Classification: Likely pathogenic for Hereditary pancreatitis. Last evaluated: 2023-02-04. Review status: criteria provided, single submitter. Criteria: Invitae Variant Classification Sherloc (09022015). Collection method: clinical testing. Allele origin: germline.
Comment: This sequence change affects the initiator methionine of the SPINK1 mRNA. There are no downstream in-frame methionine residues; therefore, it is expected to result in an absent or disrupted protein product. Loss-of-function variants in SPINK1 are known to be pathogenic (PMID: 22572128,17681820). This variant is not present in population databases (gnomAD no frequency). Disruption of the initiator codon has been observed in individual(s) with chronic pancreatitis (PMID: 10835640,18172691). ClinVar contains an entry for this variant (Variation ID: 496201). In summary, the currently available evidence indicates that the variant is pathogenic, but additional data are needed to prove that conclusively. Therefore, this variant has been classified as Likely Pathogenic.

Mendelics
Classification: Likely pathogenic for Hereditary pancreatitis. Last evaluated: 2019-05-28. Review status: criteria provided, single submitter. Criteria: Mendelics Assertion Criteria 2017. Collection method: clinical testing. Allele origin: unknown.

Women's Health and Genetics/Laboratory Corporation of America, LabCorp
Classification: Uncertain significance. Last evaluated: 2017-07-31. Review status: criteria provided, single submitter. Criteria: LabCorp Variant Classification Summary - May 2015. Collection method: clinical testing. Allele origin: germline.
Comment: Variant summary: The SPINK1 c.1A>T (p.Met1Leu) variant involves the alteration of a conserved nucleotide and the start codon. There is no second Met in SPINK1 protein, suggesting the abolishment of the Met1 is likely to be damaging. In consistency with this prediction, 3/4 in silico tools predict a damaging outcome for this variant (SNPsandGO not captured due to low reliability index). This variant is absent in 119498 control chromosomes and has been reported in at least one patient with chronic pancreatitis with co-occurrence of a pathogenic variant SPINK1 p.Asn34Ser (Masson_2008). Another start codon loss, p.Met1Thr, has been reported to associate with chronic pancreatitis (HGMD database). Taken together, this variant is classified as VUS-possibly pathogenic until more information becomes available.

ARUP Laboratories, Molecular Genetics and Genomics, ARUP Laboratories
Classification: Pathogenic. Last evaluated: 2017-07-03. Review status: criteria provided, single submitter. Criteria: ARUP Molecular Germline Variant Investigation Process. Collection method: clinical testing. Allele origin: germline.

Literature cited by the submitters: PubMed 22572128 (cited by Labcorp Genetics (formerly Invitae), Labcorp); PubMed 17681820 (cited by Labcorp Genetics (formerly Invitae), Labcorp); PubMed 10835640 (cited by Labcorp Genetics (formerly Invitae), Labcorp); PubMed 18172691 (cited by Labcorp Genetics (formerly Invitae), Labcorp and Women's Health and Genetics/Laboratory Corporation of America, LabCorp).